The following is an entry in ClinVar:

ClinVar aggregate classification (germline): Uncertain significance. Review status: criteria provided, multiple submitters, no conflicts (2 of 4 stars). 2 submissions from 2 submitters: Uncertain significance (2). Last evaluated 2025-07-14.

Submissions (2):

Labcorp Genetics (formerly Invitae), Labcorp
Classification: Uncertain significance. Last evaluated: 2025-07-14. Review status: criteria provided, single submitter. Criteria: Invitae Variant Classification Sherloc (09022015). Collection method: clinical testing. Allele origin: germline.
Comment: This sequence change replaces aspartic acid, which is acidic and polar, with glutamic acid, which is acidic and polar, at codon 352 of the ABRAXAS1 protein (p.Asp352Glu). This variant is not present in population databases (gnomAD no frequency). This variant has not been reported in the literature in individuals affected with ABRAXAS1-related conditions. ClinVar contains an entry for this variant (Variation ID: 1376453). An algorithm developed to predict the effect of missense changes on protein structure and function outputs the following: PolyPhen-2: "Benign". The glutamic acid amino acid residue is found in multiple mammalian species, which suggests that this missense change does not adversely affect protein function. In summary, the available evidence is currently insufficient to determine the role of this variant in disease. Therefore, it has been classified as a Variant of Uncertain Significance.

Ambry Genetics
Classification: Uncertain significance. Last evaluated: 2024-09-30. Review status: criteria provided, single submitter. Criteria: Ambry Variant Classification Scheme 2023. Collection method: clinical testing. Allele origin: germline.
Comment: The p.D352E variant (also known as c.1056T>A), located in coding exon 9 of the FAM175A gene, results from a T to A substitution at nucleotide position 1056. The aspartic acid at codon 352 is replaced by glutamic acid, an amino acid with highly similar properties. This amino acid position is conserved. In addition, this alteration is predicted to be tolerated by in silico analysis. Since supporting evidence is limited at this time, the clinical significance of this alteration remains unclear.

NM_139076.3(ABRAXAS1):c.1056T>A (p.Asp352Glu)

Gene: ABRAXAS1 (abraxas 1, BRCA1 A complex subunit; minus strand). Cytogenetic location: 4q21.23.
Variant type: single nucleotide variant.
Coding change: c.1056T>A on transcript NM_139076.3 (MANE Select); coding-DNA position 1056, T replaced by A.
Protein change: p.Asp352Glu; replaces aspartic acid 352 with glutamic acid.
Molecular consequence: missense variant.
Genome position (GRCh38, 1-based): chr4:83,462,643, A>T on the plus strand (T>A on the coding strand, the complement: ABRAXAS1 is on the minus strand). VCF-style: chr4-83462643-A-T. GRCh37 (hg19) VCF-style: chr4-84383796-A-T.
Other names: c.729T>A, p.Asp243Glu (NM_001345962.2); short protein forms D243E, D352E.
Identifiers: ClinVar variation 1376453 (VCV001376453.11), dbSNP rs773812911, ClinGen allele CA357255335.